The following is an entry in ClinVar:

ClinVar aggregate classification (germline): Uncertain significance (1 of 4 stars; one submission).

Conditions:
Cardiovascular phenotype. Identifiers: MedGen CN230736.

Submission:

Ambry Genetics
Classification: Uncertain significance for Cardiovascular phenotype. Last evaluated: 2025-01-19. Review status: criteria provided, single submitter. Criteria: Ambry Variant Classification Scheme 2023. Collection method: clinical testing. Allele origin: germline.
Comment: The p.H2366N variant (also known as c.7096C>A), located in coding exon 26 of the APOB gene, results from a C to A substitution at nucleotide position 7096. The histidine at codon 2366 is replaced by asparagine, an amino acid with similar properties. This amino acid position is conserved. In addition, this alteration is predicted to be tolerated by in silico analysis. Based on the available evidence, the clinical significance of this variant remains unclear.

NM_000384.3(APOB):c.7096C>A (p.His2366Asn)

Gene: APOB (apolipoprotein B; minus strand). Cytogenetic location: 2p24.1.
Variant type: single nucleotide variant.
Coding change: c.7096C>A on transcript NM_000384.3 (MANE Select); coding-DNA position 7096, C replaced by A.
Protein change: p.His2366Asn; replaces histidine 2366 with asparagine.
Molecular consequence: missense variant.
Genome position (GRCh38, 1-based): chr2:21,009,772, G>T on the plus strand (C>A on the coding strand, the complement: APOB is on the minus strand). VCF-style: chr2-21009772-G-T. GRCh37 (hg19) VCF-style: chr2-21232644-G-T.
Other names: short protein forms H2366N.
Identifiers: ClinVar variation 3885175 (VCV003885175.1).
Genomic context (GRCh38, chr2:21,009,772, plus strand): 5'-TCTTAACTTGTTGTAGGACATTGCTTAGCTTCTGAATAGTCTCCTTCAACTTGTATTGGT[G>T]GGCCAACTCTACTAATTTATCCATTAAAACCTGGATTTGTTGGTCTACTTCATACCTCTC-3'
Protein context (NP_000375.3, residues 2356-2376): VLMDKLVELA[His2366Asn]QYKLKETIQK